The following is an entry in ClinVar:

ClinVar aggregate classification (germline): Uncertain significance (1 of 4 stars; one submission).

Submission:

Labcorp Genetics (formerly Invitae), Labcorp
Classification: Uncertain significance. Last evaluated: 2021-08-22. Review status: criteria provided, single submitter. Criteria: Invitae Variant Classification Sherloc (09022015). Collection method: clinical testing. Allele origin: germline.
Comment: Algorithms developed to predict the effect of sequence changes on RNA splicing suggest that this variant may create or strengthen a splice site. In summary, the available evidence is currently insufficient to determine the role of this variant in disease. Therefore, it has been classified as a Variant of Uncertain Significance. This variant has not been reported in the literature in individuals affected with CD55-related conditions. This variant is present in population databases (rs746637359, ExAC 0.002%). This variant, c.1027_1028insGGA, results in the insertion of 1 amino acid(s) to the CD55 protein (p.Glu342_Thr343insArg), but otherwise preserves the integrity of the reading frame.

NM_000574.5(CD55):c.1027_1028insGGA (p.Glu342_Thr343insArg)

Gene: CD55 (CD55 molecule (Cromer blood group); plus strand). Cytogenetic location: 1q32.2.
Variant type: Insertion.
Coding change: c.1027_1028insGGA on transcript NM_000574.5 (MANE Select); coding-DNA positions 1027 to 1028, GGA inserted.
Protein change: p.Glu342_Thr343insArg.
Molecular consequence: inframe insertion. On other transcripts: non-coding transcript variant (1).
Genome position: GRCh38 VCF-style: chr1-207337375-A-AAGG. GRCh37 (hg19) VCF-style: chr1-207510720-A-AAGG.
Other names: c.1027_1028insGGA, p.Glu342_Thr343insArg (NM_001114752.3, NM_001300902.2, NM_001300903.2 and 1 more transcripts).
Identifiers: ClinVar variation 1434551 (VCV001434551.6), dbSNP rs746637359, ClinGen allele CA1368174.